The following is an entry in ClinVar:

ClinVar aggregate classification (germline): Uncertain significance (1 of 4 stars; one submission).

Conditions:
Hyperekplexia 2 (HKPX2). Identifiers: Orphanet 3197, MedGen C3553291, MONDO:0013828, OMIM 614619.

Allele frequency attached by ClinVar (database versions not stated): TOPMed below 0.00001; ExAC 0.00001; gnomAD 0.00001; ESP Exome Variant Server 0.00015.
gnomAD v4.1: 1 of 1,610,632 alleles (0.000062%); highest among the groups gnomAD compares: African/African-American, 0.0013%; no homozygotes.

Submission:

Labcorp Genetics (formerly Invitae), Labcorp
Classification: Uncertain significance for Hyperekplexia 2. Last evaluated: 2022-10-05. Review status: criteria provided, single submitter. Criteria: Invitae Variant Classification Sherloc (09022015). Collection method: clinical testing. Allele origin: germline.
Comment: In summary, the available evidence is currently insufficient to determine the role of this variant in disease. Therefore, it has been classified as a Variant of Uncertain Significance. Advanced modeling of protein sequence and biophysical properties (such as structural, functional, and spatial information, amino acid conservation, physicochemical variation, residue mobility, and thermodynamic stability) performed at Invitae indicates that this missense variant is not expected to disrupt GLRB protein function. This variant has not been reported in the literature in individuals affected with GLRB-related conditions. This variant is not present in population databases (gnomAD no frequency). This sequence change replaces alanine, which is neutral and non-polar, with proline, which is neutral and non-polar, at codon 8 of the GLRB protein (p.Ala8Pro).

NM_000824.5(GLRB):c.22G>C (p.Ala8Pro)

Gene: GLRB (glycine receptor beta; plus strand). Cytogenetic location: 4q32.1.
Variant type: single nucleotide variant.
Coding change: c.22G>C on transcript NM_000824.5 (MANE Select); coding-DNA position 22, G replaced by C.
Protein change: p.Ala8Pro; replaces alanine 8 with proline.
Molecular consequence: missense variant.
Genome position (GRCh38, 1-based): chr4:157,078,046, G>C. VCF-style: chr4-157078046-G-C. GRCh37 (hg19) VCF-style: chr4-157999198-G-C.
Other names: c.22G>C, p.Ala8Pro (NM_001166060.2, NM_001166061.2); short protein forms A8P.
Identifiers: ClinVar variation 1999893 (VCV001999893.4), dbSNP rs139961228, ClinGen allele CA3119637.